The following is an entry in ClinVar:

ClinVar aggregate classification (germline): Uncertain significance (1 of 4 stars; one submission).

Conditions:
Bethlem myopathy 1A. Also called: MYOPATHY, BENIGN CONGENITAL, WITH CONTRACTURES; Bethlem myopathy 1; Bethlem Muscular Dystrophy. Identifiers: Orphanet 610, MedGen CN029274, MONDO:0024530, OMIM 158810.

Submission:

Laboratorio de Genetica e Diagnostico Molecular, Hospital Israelita Albert Einstein
Classification: Uncertain significance for Bethlem myopathy 1A. Last evaluated: 2022-12-16. Review status: criteria provided, single submitter. Criteria: ACMG Guidelines, 2015. Collection method: clinical testing. Allele origin: germline. Affected: yes. Observed: 1 variant allele.
Comment: ACMG classification criteria: PM2 moderated

NM_004369.4(COL6A3):c.5146C>T (p.His1716Tyr)

Gene: COL6A3 (collagen type VI alpha 3 chain; minus strand). Cytogenetic location: 2q37.3.
Variant type: single nucleotide variant.
Coding change: c.5146C>T on transcript NM_004369.4 (MANE Select); coding-DNA position 5146, C replaced by T.
Protein change: p.His1716Tyr; replaces histidine 1716 with tyrosine.
Molecular consequence: missense variant.
Genome position (GRCh38, 1-based): chr2:237,367,041, G>A on the plus strand (C>T on the coding strand, the complement: COL6A3 is on the minus strand). VCF-style: chr2-237367041-G-A. GRCh37 (hg19) VCF-style: chr2-238275684-G-A.
Other names: c.3325C>T, p.His1109Tyr (NM_057166.5); c.4528C>T, p.His1510Tyr (NM_057167.4); short protein forms H1109Y, H1510Y, H1716Y.
Identifiers: ClinVar variation 2431631 (VCV002431631.1), dbSNP rs2469883913, ClinGen allele CA351188423.